The following is an entry in ClinVar:

ClinVar aggregate classification (germline): Uncertain significance (1 of 4 stars; one submission).

Allele frequency attached by ClinVar (database versions not stated): gnomAD exomes below 0.00001; ExAC 0.00001; TOPMed 0.00002.

Submission:

Labcorp Genetics (formerly Invitae), Labcorp
Classification: Uncertain significance. Last evaluated: 2022-01-03. Review status: criteria provided, single submitter. Criteria: Invitae Variant Classification Sherloc (09022015). Collection method: clinical testing. Allele origin: germline.
Comment: In summary, the available evidence is currently insufficient to determine the role of this variant in disease. Therefore, it has been classified as a Variant of Uncertain Significance. Algorithms developed to predict the effect of missense changes on protein structure and function (SIFT, PolyPhen-2, Align-GVGD) all suggest that this variant is likely to be tolerated. This variant has not been reported in the literature in individuals affected with GPR179-related conditions. This variant is present in population databases (rs779605212, gnomAD 0.003%). This sequence change replaces aspartic acid, which is acidic and polar, with glycine, which is neutral and non-polar, at codon 2095 of the GPR179 protein (p.Asp2095Gly).

NM_001004334.4(GPR179):c.6284A>G (p.Asp2095Gly)

Gene: GPR179 (G protein-coupled receptor 179; minus strand). Cytogenetic location: 17q12.
Variant type: single nucleotide variant.
Coding change: c.6284A>G on transcript NM_001004334.4 (MANE Select); coding-DNA position 6284, A replaced by G.
Protein change: p.Asp2095Gly; replaces aspartic acid 2095 with glycine.
Molecular consequence: missense variant.
Genome position (GRCh38, 1-based): chr17:38,327,285, T>C on the plus strand (A>G on the coding strand, the complement: GPR179 is on the minus strand). VCF-style: chr17-38327285-T-C. GRCh37 (hg19) VCF-style: chr17-36483168-T-C.
Other names: short protein forms D2095G.
Identifiers: ClinVar variation 1404967 (VCV001404967.8), dbSNP rs779605212, ClinGen allele CA290103045.